The following is an entry in ClinVar:

ClinVar aggregate classification (germline): Uncertain significance. Review status: criteria provided, multiple submitters, no conflicts (2 of 4 stars). 3 submissions from 3 submitters: Uncertain significance (3). Last evaluated 2025-01-31.

Conditions:
Juvenile polyposis syndrome (JPS). Identifiers: Orphanet 2929, MedGen C0345893, MONDO:0017380, OMIM 174900.
Hereditary cancer-predisposing syndrome. Also called: Hereditary Cancer Syndrome; Hereditary neoplastic syndrome; Neoplastic Syndromes, Hereditary; Tumor predisposition. Identifiers: Orphanet 140162, MedGen C0027672, MeSH D009386, MONDO:0015356.

Submissions (3):

Ambry Genetics
Classification: Uncertain significance for Hereditary cancer-predisposing syndrome. Last evaluated: 2025-01-31. Review status: criteria provided, single submitter. Criteria: Ambry Variant Classification Scheme 2023. Collection method: clinical testing. Allele origin: germline.
Comment: The p.L317V variant (also known as c.949C>G), located in coding exon 8 of the BMPR1A gene, results from a C to G substitution at nucleotide position 949. The leucine at codon 317 is replaced by valine, an amino acid with highly similar properties. This variant was identified via whole genome sequencing in 3 cancer-free individuals from the population based Qatar Genome Program (Elfatih A et al. Eur J Hum Genet, 2024 Nov;32:1465-1473). This amino acid position is highly conserved in available vertebrate species. In addition, this alteration is predicted to be deleterious by in silico analysis. Based on the available evidence, the clinical significance of this variant remains unclear.

Color Diagnostics, LLC DBA Color Health
Classification: Uncertain significance for Hereditary cancer-predisposing syndrome. Last evaluated: 2024-03-06. Review status: criteria provided, single submitter. Criteria: ACMG Guidelines, 2015. Collection method: clinical testing. Allele origin: germline.
Comment: This missense variant replaces leucine with valine at codon 317 of the BMPR1A protein. Computational prediction suggests that this variant may have deleterious impact on protein structure and function (internally defined REVEL score threshold >= 0.7, PMID: 27666373). Splice site prediction tools suggest that this variant may not impact RNA splicing. To our knowledge, functional studies have not been performed for this variant. This variant has not been reported in individuals affected with hereditary cancer in the literature. This variant has not been identified in the general population by the Genome Aggregation Database (gnomAD). The available evidence is insufficient to determine the role of this variant in disease conclusively. Therefore, this variant is classified as a Variant of Uncertain Significance.

Labcorp Genetics (formerly Invitae), Labcorp
Classification: Uncertain significance for Juvenile polyposis syndrome. Last evaluated: 2024-01-29. Review status: criteria provided, single submitter. Criteria: Invitae Variant Classification Sherloc (09022015). Collection method: clinical testing. Allele origin: germline.
Comment: This sequence change replaces leucine, which is neutral and non-polar, with valine, which is neutral and non-polar, at codon 317 of the BMPR1A protein (p.Leu317Val). This variant is not present in population databases (gnomAD no frequency). This variant has not been reported in the literature in individuals affected with BMPR1A-related conditions. ClinVar contains an entry for this variant (Variation ID: 922098). Advanced modeling of protein sequence and biophysical properties (such as structural, functional, and spatial information, amino acid conservation, physicochemical variation, residue mobility, and thermodynamic stability) has been performed at Invitae for this missense variant, however the output from this modeling did not meet the statistical confidence thresholds required to predict the impact of this variant on BMPR1A protein function. In summary, the available evidence is currently insufficient to determine the role of this variant in disease. Therefore, it has been classified as a Variant of Uncertain Significance.

Literature cited by the submitters: PubMed 39020067 (cited by Ambry Genetics).

NM_004329.3(BMPR1A):c.949C>G (p.Leu317Val)

Gene: BMPR1A (bone morphogenetic protein receptor type 1A; plus strand). Cytogenetic location: 10q23.2.
Variant type: single nucleotide variant.
Coding change: c.949C>G on transcript NM_004329.3 (MANE Select); coding-DNA position 949, C replaced by G.
Protein change: p.Leu317Val; replaces leucine 317 with valine.
Molecular consequence: missense variant.
Genome position (GRCh38, 1-based): chr10:86,919,252, C>G. VCF-style: chr10-86919252-C-G. GRCh37 (hg19) VCF-style: chr10-88679009-C-G.
Other names: short protein forms L317V.
Identifiers: ClinVar variation 922098 (VCV000922098.14), dbSNP rs1589291581, ClinGen allele CA377460203.